The following is an entry in ClinVar:

ClinVar aggregate classification (germline): Uncertain significance (1 of 4 stars; one submission).

gnomAD v4.1: 10 of 1,613,948 alleles (0.00062%); highest among the groups gnomAD compares: South Asian, 0.011%; no homozygotes.

Submission:

Ambry Genetics
Classification: Uncertain significance. Last evaluated: 2025-02-15. Review status: criteria provided, single submitter. Criteria: Ambry Variant Classification Scheme 2023. Collection method: clinical testing. Allele origin: germline.
Comment: The p.L33F variant (also known as c.97C>T), located in coding exon 1 of the GEN1 gene, results from a C to T substitution at nucleotide position 97. The leucine at codon 33 is replaced by phenylalanine, an amino acid with highly similar properties. This amino acid position is conserved. In addition, this alteration is predicted to be tolerated by in silico analysis. Based on the available evidence, the clinical significance of this variant remains unclear.

NM_001130009.3(GEN1):c.97C>T (p.Leu33Phe)

Gene: GEN1 (GEN1 Holliday junction 5' flap endonuclease; plus strand). Cytogenetic location: 2p24.2.
Variant type: single nucleotide variant.
Coding change: c.97C>T on transcript NM_001130009.3 (MANE Select); coding-DNA position 97, C replaced by T.
Protein change: p.Leu33Phe; replaces leucine 33 with phenylalanine.
Molecular consequence: missense variant.
Genome position (GRCh38, 1-based): chr2:17,760,040, C>T. VCF-style: chr2-17760040-C-T. GRCh37 (hg19) VCF-style: chr2-17941307-C-T.
Other names: c.97C>T, p.Leu33Phe (NM_182625.5); short protein forms L33F.
Identifiers: ClinVar variation 3853573 (VCV003853573.1).